The following is an entry in ClinVar:

ClinVar aggregate classification (germline): Uncertain significance. Review status: criteria provided, multiple submitters, no conflicts (2 of 4 stars). 3 submissions from 3 submitters: Uncertain significance (3). Last evaluated 2026-03-12.

Conditions:
TUBB1-related disorder. Also called: TUBB1-related condition.

gnomAD v4.1: 82 of 1,614,004 alleles (0.0051%); highest among the groups gnomAD compares: Non-Finnish European, 0.0067%; no homozygotes.

Submissions (3):

PreventionGenetics, part of Exact Sciences
Classification: Uncertain significance for TUBB1-related condition. Last evaluated: 2026-03-12. Review status: criteria provided, single submitter. Criteria: ACMG Guidelines, 2015. Collection method: clinical testing. Allele origin: germline.
Comment: The TUBB1 c.92A>G variant is predicted to result in the amino acid substitution p.Asp31Gly. To our knowledge, this variant has not been reported in the literature. This variant is reported in 0.0062% of alleles in individuals of European (Non-Finnish) descent in gnomAD. At this time, the clinical significance of this variant is uncertain due to the absence of conclusive functional and genetic evidence.

Labcorp Genetics (formerly Invitae), Labcorp
Classification: Uncertain significance. Last evaluated: 2024-12-23. Review status: criteria provided, single submitter. Criteria: Invitae Variant Classification Sherloc (09022015). Collection method: clinical testing. Allele origin: germline.
Comment: This sequence change replaces aspartic acid, which is acidic and polar, with glycine, which is neutral and non-polar, at codon 31 of the TUBB1 protein (p.Asp31Gly). This variant is present in population databases (rs745713786, gnomAD 0.006%). This variant has not been reported in the literature in individuals affected with TUBB1-related conditions. Invitae Evidence Modeling of protein sequence and biophysical properties (such as structural, functional, and spatial information, amino acid conservation, physicochemical variation, residue mobility, and thermodynamic stability) indicates that this missense variant is not expected to disrupt TUBB1 protein function with a negative predictive value of 80%. In summary, the available evidence is currently insufficient to determine the role of this variant in disease. Therefore, it has been classified as a Variant of Uncertain Significance.

Blueprint Genetics
Classification: Uncertain significance. Last evaluated: 2024-09-24. Review status: criteria provided, single submitter. Criteria: ACMG Guidelines, 2015. Collection method: clinical testing. Allele origin: germline.

NM_030773.4(TUBB1):c.92A>G (p.Asp31Gly)

Gene: TUBB1 (tubulin beta 1 class VI; plus strand). Cytogenetic location: 20q13.32.
Variant type: single nucleotide variant.
Coding change: c.92A>G on transcript NM_030773.4 (MANE Select); coding-DNA position 92, A replaced by G.
Protein change: p.Asp31Gly; replaces aspartic acid 31 with glycine.
Molecular consequence: missense variant.
Genome position (GRCh38, 1-based): chr20:59,022,879, A>G. VCF-style: chr20-59022879-A-G. GRCh37 (hg19) VCF-style: chr20-57597934-A-G.
Other names: short protein forms D31G.
Identifiers: ClinVar variation 3712000 (VCV003712000.4).